The following is an entry in ClinVar:

ClinVar aggregate classification (germline): Uncertain significance. Review status: criteria provided, multiple submitters, no conflicts (2 of 4 stars). 2 submissions from 2 submitters: Uncertain significance (2). Last evaluated 2023-07-21.

Conditions:
DICER1-related tumor predisposition. Also called: DICER1 syndrome; DICER1-related pleuropulmonary blastoma cancer predisposition syndrome. Identifiers: Orphanet 284343, MedGen C3839822, MONDO:0100216.
Hereditary cancer-predisposing syndrome. Also called: Hereditary neoplastic syndrome; Neoplastic Syndromes, Hereditary; Tumor predisposition; Hereditary Cancer Syndrome. Identifiers: Orphanet 140162, MedGen C0027672, MeSH D009386, MONDO:0015356.

Submissions (2):

Ambry Genetics
Classification: Uncertain significance for Hereditary cancer-predisposing syndrome. Last evaluated: 2023-07-21. Review status: criteria provided, single submitter. Criteria: Ambry Variant Classification Scheme 2023. Collection method: clinical testing. Allele origin: germline.
Comment: The p.T1236S variant (also known as c.3707C>G), located in coding exon 20 of the DICER1 gene, results from a C to G substitution at nucleotide position 3707. The threonine at codon 1236 is replaced by serine, an amino acid with similar properties. This amino acid position is conserved. In addition, this alteration is predicted to be tolerated by in silico analysis. Since supporting evidence is limited at this time, the clinical significance of this alteration remains unclear.

Labcorp Genetics (formerly Invitae), Labcorp
Classification: Uncertain significance for DICER1-related tumor predisposition. Last evaluated: 2022-09-25. Review status: criteria provided, single submitter. Criteria: Invitae Variant Classification Sherloc (09022015). Collection method: clinical testing. Allele origin: germline.
Comment: This sequence change replaces threonine, which is neutral and polar, with serine, which is neutral and polar, at codon 1236 of the DICER1 protein (p.Thr1236Ser). This variant is not present in population databases (gnomAD no frequency). This variant has not been reported in the literature in individuals affected with DICER1-related conditions. ClinVar contains an entry for this variant (Variation ID: 1046677). Advanced modeling of protein sequence and biophysical properties (such as structural, functional, and spatial information, amino acid conservation, physicochemical variation, residue mobility, and thermodynamic stability) performed at Invitae indicates that this missense variant is not expected to disrupt DICER1 protein function. In summary, the available evidence is currently insufficient to determine the role of this variant in disease. Therefore, it has been classified as a Variant of Uncertain Significance.

NM_177438.3(DICER1):c.3707C>G (p.Thr1236Ser)

Gene: DICER1 (dicer 1, ribonuclease III; minus strand). Cytogenetic location: 14q32.13.
Variant type: single nucleotide variant.
Coding change: c.3707C>G on transcript NM_177438.3 (MANE Select); coding-DNA position 3707, C replaced by G.
Protein change: p.Thr1236Ser; replaces threonine 1236 with serine.
Molecular consequence: missense variant.
Genome position (GRCh38, 1-based): chr14:95,103,689, G>C on the plus strand (C>G on the coding strand, the complement: DICER1 is on the minus strand). VCF-style: chr14-95103689-G-C. GRCh37 (hg19) VCF-style: chr14-95570026-G-C.
Other names: c.3707C>G (NM_177438.2); c.3707C>G, p.Thr1236Ser (NM_001195573.1, NM_001271282.3, NM_001291628.2 and 1 more transcripts); short protein forms T1236S.
Identifiers: ClinVar variation 1046677 (VCV001046677.13), dbSNP rs1891115795, ClinGen allele CA390874276.